The following is an entry in ClinVar:

ClinVar aggregate classification (germline): Likely benign. Review status: criteria provided, multiple submitters, no conflicts (2 of 4 stars). 2 submissions from 2 submitters: Likely benign (2). Last evaluated 2018-01-13.

Conditions:
Smith-Lemli-Opitz syndrome (SLOS). Also called: LETHAL ACRODYSGENITAL SYNDROME; POLYDACTYLY, SEX REVERSAL, RENAL HYPOPLASIA, AND UNILOBAR LUNG; RSH SYNDROME; RUTLEDGE LETHAL MULTIPLE CONGENITAL ANOMALY SYNDROME; 7-Dehydrocholesterol reductase deficiency. Identifiers: Orphanet 818, MedGen C0175694, MONDO:0010035, OMIM 270400.

Allele frequency attached by ClinVar (database versions not stated): gnomAD exomes 0.00212; 1000 Genomes Project 0.01577; 1000 Genomes Project 30x 0.01718; gnomAD 0.01773 and 0.01903; TOPMed 0.02005.
gnomAD v4.1: 3,137 of 364,382 alleles (0.86%); highest among the groups gnomAD compares: African/African-American, 6%; 99 homozygotes.

Submissions (2):

Illumina Laboratory Services, Illumina
Classification: Likely benign for Smith-Lemli-Opitz syndrome. Last evaluated: 2018-01-13. Review status: criteria provided, single submitter. Criteria: ICSL Variant Classification Criteria 13 December 2019. Collection method: clinical testing. Allele origin: germline.
Comment: This variant was observed in the ICSL laboratory as part of a predisposition screen in an ostensibly healthy population. It had not been previously curated by ICSL or reported in the Human Gene Mutation Database (HGMD: prior to June 1st, 2018), and was therefore a candidate for classification through an automated scoring system. Utilizing variant allele frequency, disease prevalence and penetrance estimates, and inheritance mode, an automated score was calculated to assess if this variant is too frequent to cause the disease. Based on the score and internal cut-off values, a variant classified as likely benign is not then subjected to further curation. The score for this variant resulted in a classification of likely benign for this disease.

Breakthrough Genomics
Classification: Likely benign. Review status: criteria provided, single submitter. Criteria: ACMG Guidelines, 2015. Collection method: not provided. Allele origin: germline. Inheritance: Autosomal recessive inheritance. Affected: yes.

NM_001360.3(DHCR7):c.*451A>G

Gene: DHCR7 (7-dehydrocholesterol reductase; minus strand). Cytogenetic location: 11q13.4.
Variant type: single nucleotide variant.
Coding change: c.*451A>G on transcript NM_001360.3 (MANE Select); 451 bases downstream of the stop codon, A replaced by G.
Molecular consequence: 3 prime UTR variant.
Genome position (GRCh38, 1-based): chr11:71,434,924, T>C on the plus strand (A>G on the coding strand, the complement: DHCR7 is on the minus strand). VCF-style: chr11-71434924-T-C. GRCh37 (hg19) VCF-style: chr11-71145970-T-C.
Other names: c.*451A>G (NM_001163817.2).
Identifiers: ClinVar variation 305942 (VCV000305942.6), dbSNP rs11233662, ClinGen allele CA10639315.